The following is an entry in ClinVar:

ClinVar aggregate classification (germline): Conflicting classifications of pathogenicity. Review status: criteria provided, conflicting classifications (1 of 4 stars). 7 submissions from 6 submitters: Uncertain significance (5); Likely benign (2). Last evaluated 2025-10-14.

Conditions:
Cardiovascular phenotype. Identifiers: MedGen CN230736.
Hereditary cancer-predisposing syndrome. Also called: Neoplastic Syndromes, Hereditary; Tumor predisposition; Hereditary neoplastic syndrome; Hereditary Cancer Syndrome. Identifiers: Orphanet 140162, MedGen C0027672, MeSH D009386, MONDO:0015356.
Neurofibromatosis-Noonan syndrome (NFNS). Also called: NEUROFIBROMATOSIS WITH NOONAN PHENOTYPE. Identifiers: Orphanet 638, MedGen C2931482, MONDO:0011035, OMIM 601321. Disease mechanism: loss of function.
Café-au-lait macules with pulmonary stenosis (WTSN). Also called: PULMONIC STENOSIS WITH CAFE-AU-LAIT SPOTS. Identifiers: MedGen C0553586, MONDO:0008672, OMIM 193520.
Juvenile myelomonocytic leukemia (JMML). Also called: LEUKEMIA, JUVENILE MYELOMONOCYTIC, SOMATIC. Identifiers: Orphanet 86834, MedGen C0349639, MONDO:0011908, OMIM 607785, HP:0012209.
Neurofibromatosis, type 1 (NF1). Also called: Neurofibromatosis, type I; Peripheral type neurofibromatosis; VON RECKLINGHAUSEN DISEASE; NEUROFIBROMATOSIS, TYPE I, SOMATIC. Identifiers: Orphanet 636, MedGen C0027831, MONDO:0018975, OMIM 162200. Disease mechanism: loss of function.
Neurofibromatosis, familial spinal (FSNF). Identifiers: Orphanet 636, MedGen C1834235, MONDO:0008078, OMIM 162210. Disease mechanism: loss of function.

Allele frequency attached by ClinVar (database versions not stated): TOPMed below 0.00001; gnomAD exomes 0.00001.

Submissions (7):

Labcorp Genetics (formerly Invitae), Labcorp
Classification: Likely benign for Neurofibromatosis, type 1. Last evaluated: 2025-10-14. Review status: criteria provided, single submitter. Criteria: Invitae Variant Classification Sherloc (09022015). Collection method: clinical testing. Allele origin: germline.

Ambry Genetics
Classification: Likely benign for Cardiovascular phenotype; Hereditary cancer-predisposing syndrome. Last evaluated: 2023-11-14. Review status: criteria provided, single submitter. Criteria: Ambry Variant Classification Scheme 2023. Collection method: clinical testing. Allele origin: germline.

GeneDx
Classification: Uncertain significance. Last evaluated: 2023-11-09. Review status: criteria provided, single submitter. Criteria: GeneDx Variant Classification Process June 2021. Collection method: clinical testing. Allele origin: germline. Affected: yes.
Comment: In silico analysis supports that this missense variant has a deleterious effect on protein structure/function; Has not been previously published as pathogenic or benign to our knowledge; This variant is associated with the following publications: (PMID: 31427281, 22807134)

Genome-Nilou Lab
Classification: Uncertain significance for Neurofibromatosis, type 1. Last evaluated: 2022-03-15. Review status: criteria provided, single submitter. Criteria: ACMG Guidelines, 2015. Collection method: clinical testing. Allele origin: germline. Affected: no.

Genome Diagnostics Laboratory, The Hospital for Sick Children
Classification: Uncertain significance for Neurofibromatosis, type 1. Last evaluated: 2020-10-26. Review status: criteria provided, single submitter. Criteria: ACMG Guidelines, 2015. Collection method: clinical testing. Allele origin: germline. Affected: yes.

Ambry Genetics
Classification: Uncertain significance for Hereditary cancer-predisposing syndrome. Last evaluated: 2015-09-04. Review status: criteria provided, single submitter. Criteria: Ambry Autosomal Dominant and X-Linked criteria (10/2015). Collection method: clinical testing. Allele origin: germline. Observed: 1 variant allele.
Comment: The p.N1503S variant (also known as c.4508A>G), located in coding exon 34 of the NF1 gene, results from an A to G substitution at nucleotide position 4508. The asparagine at codon 1503 is replaced by serine, an amino acid with highly similar properties. This variant was not reported in population based cohorts in the following databases: Database of Single Nucleotide Polymorphisms (dbSNP), NHLBI Exome Sequencing Project (ESP), and 1000 Genomes Project. In the ESP, this variant was not observed in 6503 samples (13006 alleles) with coverage at this position. To date, this alteration has been detected with an allele frequency of approximately 0.004% (greater than 55000alleles tested) in our clinical cohort.This amino acid position is highly conserved in available vertebrate species. In addition, the in silico prediction for this alteration is inconclusive.Since supporting evidence is limited at this time, the clinical significance of p.N1503Sremains unclear.

Juno Genomics, Hangzhou Juno Genomics, Inc
Classification: Uncertain significance for Neurofibromatosis, type 1; Juvenile myelomonocytic leukemia; Neurofibromatosis, familial spinal; Neurofibromatosis-Noonan syndrome; Café-au-lait macules with pulmonary stenosis. Review status: criteria provided, single submitter. Criteria: ACMG Guidelines, 2015. Collection method: clinical testing. Allele origin: germline.
Comment: Absent from controls (or at extremely low frequency if recessive) in Genome Aggregation Database.;Missense variant in a gene that has a low rate of benign missense variation.

NM_001042492.3(NF1):c.4508A>G (p.Asn1503Ser)

Gene: NF1 (neurofibromin 1; plus strand). Cytogenetic location: 17q11.2.
Variant type: single nucleotide variant.
Coding change: c.4508A>G on transcript NM_001042492.3 (MANE Select); coding-DNA position 4508, A replaced by G.
Protein change: p.Asn1503Ser; replaces asparagine 1503 with serine.
Molecular consequence: missense variant.
Genome position (GRCh38, 1-based): chr17:31,260,446, A>G. VCF-style: chr17-31260446-A-G. GRCh37 (hg19) VCF-style: chr17-29587464-A-G.
Other names: c.4445A>G, p.Asn1482Ser (NM_000267.4); short protein forms N1482S, N1503S.
Identifiers: ClinVar variation 141029 (VCV000141029.20), dbSNP rs587781445, ClinGen allele CA164270.